The following is an entry in ClinVar:

ClinVar aggregate classification (germline): Uncertain significance. Review status: criteria provided, multiple submitters, no conflicts (2 of 4 stars). 2 submissions from 2 submitters: Uncertain significance (2). Last evaluated 2022-11-23.

Conditions:
Bethlem myopathy 1A. Also called: MYOPATHY, BENIGN CONGENITAL, WITH CONTRACTURES; Bethlem Muscular Dystrophy; Bethlem myopathy 1. Identifiers: Orphanet 610, MedGen CN029274, MONDO:0024530, OMIM 158810.

Allele frequency attached by ClinVar (database versions not stated): gnomAD exomes below 0.00001; ExAC 0.00001.
gnomAD v4.1: 2 of 1,614,210 alleles (0.00012%); highest among the groups gnomAD compares: Middle Eastern, 0.016%; no homozygotes.

Submissions (2):

Labcorp Genetics (formerly Invitae), Labcorp
Classification: Uncertain significance for Bethlem myopathy 1A. Last evaluated: 2022-11-23. Review status: criteria provided, single submitter. Criteria: Invitae Variant Classification Sherloc (09022015). Collection method: clinical testing. Allele origin: germline.
Comment: This sequence change replaces alanine, which is neutral and non-polar, with valine, which is neutral and non-polar, at codon 311 of the COL6A3 protein (p.Ala311Val). In summary, the available evidence is currently insufficient to determine the role of this variant in disease. Therefore, it has been classified as a Variant of Uncertain Significance. Advanced modeling of protein sequence and biophysical properties (such as structural, functional, and spatial information, amino acid conservation, physicochemical variation, residue mobility, and thermodynamic stability) performed at Invitae indicates that this missense variant is not expected to disrupt COL6A3 protein function. ClinVar contains an entry for this variant (Variation ID: 841602). This variant has not been reported in the literature in individuals affected with COL6A3-related conditions. This variant is present in population databases (rs781284019, gnomAD 0.0009%).

Blueprint Genetics
Classification: Uncertain significance. Last evaluated: 2021-09-24. Review status: criteria provided, single submitter. Criteria: ACMG Guidelines, 2015. Collection method: clinical testing. Allele origin: germline.

NM_004369.4(COL6A3):c.932C>T (p.Ala311Val)

Gene: COL6A3 (collagen type VI alpha 3 chain; minus strand). Cytogenetic location: 2q37.3.
Variant type: single nucleotide variant.
Coding change: c.932C>T on transcript NM_004369.4 (MANE Select); coding-DNA position 932, C replaced by T.
Protein change: p.Ala311Val; replaces alanine 311 with valine.
Molecular consequence: missense variant. On other transcripts: intron variant (2).
Genome position (GRCh38, 1-based): chr2:237,387,962, G>A on the plus strand (C>T on the coding strand, the complement: COL6A3 is on the minus strand). VCF-style: chr2-237387962-G-A. GRCh37 (hg19) VCF-style: chr2-238296605-G-A.
Other names: c.314C>T, p.Ala105Val (NM_057165.5, NM_057167.4); c.92-6463C>T (NM_057166.5, NM_057164.5); short protein forms A105V, A311V.
Identifiers: ClinVar variation 841602 (VCV000841602.5), dbSNP rs781284019, ClinGen allele CA2189744.